The following is an entry in ClinVar:

ClinVar aggregate classification (germline): Uncertain significance. Review status: criteria provided, multiple submitters, no conflicts (2 of 4 stars). 5 submissions from 5 submitters: Uncertain significance (5). Last evaluated 2025-12-04.

Conditions:
Hereditary cancer-predisposing syndrome. Also called: Hereditary neoplastic syndrome; Neoplastic Syndromes, Hereditary; Tumor predisposition; Hereditary Cancer Syndrome. Identifiers: Orphanet 140162, MedGen C0027672, MeSH D009386, MONDO:0015356.
Familial adenomatous polyposis 1 (FAP1). Also called: POLYPOSIS, ADENOMATOUS INTESTINAL; FAMILIAL ADENOMATOUS POLYPOSIS 1, ATTENUATED. Identifiers: MedGen C2713442, MONDO:0021056, OMIM 175100. Disease mechanism: loss of function.

Allele frequency attached by ClinVar (database versions not stated): gnomAD exomes below 0.00001 and 0.00001; ExAC 0.00001; TOPMed 0.00001.
gnomAD v4.1: 1 of 1,614,080 alleles (0.000062%); highest among the groups gnomAD compares: Admixed American, 0.0017%; no homozygotes.

Submissions (5):

Women's Health and Genetics/Laboratory Corporation of America, LabCorp
Classification: Uncertain significance. Last evaluated: 2025-12-04. Review status: criteria provided, single submitter. Criteria: LabCorp Variant Classification Summary - May 2015. Collection method: clinical testing. Allele origin: germline.
Comment: Variant summary: APC c.4069G>A (p.Gly1357Arg) results in a non-conservative amino acid change in the encoded protein sequence. Algorithms developed to predict the effect of missense changes on protein structure and function all suggest that this variant is likely to be disruptive. The variant allele was found at a frequency of 8e-06 in 250748 control chromosomes. The available data on variant occurrences in the general population are insufficient to allow any conclusion about variant significance. To our knowledge, no occurrence of c.4069G>A in individuals affected with APC-related conditions and no experimental evidence demonstrating its impact on protein function have been reported. ClinVar contains an entry for this variant (Variation ID: 469948). Based on the evidence outlined above, the variant was classified as uncertain significance.

Labcorp Genetics (formerly Invitae), Labcorp
Classification: Uncertain significance for Familial adenomatous polyposis 1. Last evaluated: 2025-06-18. Review status: criteria provided, single submitter. Criteria: Invitae Variant Classification Sherloc (09022015). Collection method: clinical testing. Allele origin: germline.
Comment: This sequence change replaces glycine, which is neutral and non-polar, with arginine, which is basic and polar, at codon 1357 of the APC protein (p.Gly1357Arg). This variant is present in population databases (rs771718185, gnomAD 0.006%). This variant has not been reported in the literature in individuals affected with APC-related conditions. ClinVar contains an entry for this variant (Variation ID: 469948). Invitae Evidence Modeling of protein sequence and biophysical properties (such as structural, functional, and spatial information, amino acid conservation, physicochemical variation, residue mobility, and thermodynamic stability) indicates that this missense variant is not expected to disrupt APC protein function with a negative predictive value of 95%. In summary, the available evidence is currently insufficient to determine the role of this variant in disease. Therefore, it has been classified as a Variant of Uncertain Significance.

Baylor Genetics
Classification: Uncertain significance for Familial adenomatous polyposis 1. Last evaluated: 2024-01-25. Review status: criteria provided, single submitter. Criteria: ACMG Guidelines, 2015. Collection method: clinical testing. Allele origin: unknown.

Color Diagnostics, LLC DBA Color Health
Classification: Uncertain significance for Hereditary cancer-predisposing syndrome. Last evaluated: 2022-01-21. Review status: criteria provided, single submitter. Criteria: ACMG Guidelines, 2015. Collection method: clinical testing. Allele origin: germline.
Comment: This missense variant replaces glycine with arginine at codon 1357 of the APC protein. Computational prediction suggests that this variant may not impact protein structure and function (internally defined REVEL score threshold <= 0.5, PMID: 27666373). To our knowledge, functional studies have not been reported for this variant. This variant has not been reported in individuals affected with hereditary cancer in the literature. This variant has been identified in 2/250748 chromosomes in the general population by the Genome Aggregation Database (gnomAD). The available evidence is insufficient to determine the role of this variant in disease conclusively. Therefore, this variant is classified as a Variant of Uncertain Significance.

Ambry Genetics
Classification: Uncertain significance for Hereditary cancer-predisposing syndrome. Last evaluated: 2021-09-13. Review status: criteria provided, single submitter. Criteria: Ambry Variant Classification Scheme 2023. Collection method: clinical testing. Allele origin: germline.
Comment: The p.G1357R variant (also known as c.4069G>A), located in coding exon 15 of the APC gene, results from a G to A substitution at nucleotide position 4069. The glycine at codon 1357 is replaced by arginine, an amino acid with dissimilar properties. This amino acid position is highly conserved in available vertebrate species. In addition, in silico predictors for this gene do not accurately predict pathogenicity. Since supporting evidence is limited at this time, the clinical significance of this alteration remains unclear.

NM_000038.6(APC):c.4069G>A (p.Gly1357Arg)

Gene: APC (APC regulator of Wnt signaling pathway; plus strand). Cytogenetic location: 5q22.2.
Variant type: single nucleotide variant.
Coding change: c.4069G>A on transcript NM_000038.6 (MANE Select); coding-DNA position 4069, G replaced by A.
Protein change: p.Gly1357Arg; replaces glycine 1357 with arginine.
Molecular consequence: missense variant.
Genome position (GRCh38, 1-based): chr5:112,839,663, G>A. VCF-style: chr5-112839663-G-A. GRCh37 (hg19) VCF-style: chr5-112175360-G-A.
Other names: c.4069G>A, p.Gly1357Arg (NM_001127510.3, NM_001354895.2); c.4015G>A, p.Gly1339Arg (NM_001127511.3); c.4123G>A, p.Gly1375Arg (NM_001354896.2); c.4099G>A, p.Gly1367Arg (NM_001354897.2); c.3994G>A, p.Gly1332Arg (NM_001354898.2); c.3985G>A, p.Gly1329Arg (NM_001354899.2); c.3946G>A, p.Gly1316Arg (NM_001354900.2); c.3892G>A, p.Gly1298Arg (NM_001354901.2); and 5 more; short protein forms G1339R, G1357R, G1074R, G1266R, G1316R, G1298R, G1329R, G1197R.
Identifiers: ClinVar variation 469948 (VCV000469948.15), dbSNP rs771718185, ClinGen allele CA037502.